The following is an entry in ClinVar:

NM_207118.3(GTF2H5):c.202C>G (p.Leu68Val)

Gene: GTF2H5 (general transcription factor IIH subunit 5; plus strand). Cytogenetic location: 6q25.3.
Variant type: single nucleotide variant.
Coding change: c.202C>G on transcript NM_207118.3 (MANE Select); coding-DNA position 202, C replaced by G.
Protein change: p.Leu68Val; replaces leucine 68 with valine.
Molecular consequence: missense variant.
Genome position (GRCh38, 1-based): chr6:158,192,143, C>G. VCF-style: chr6-158192143-C-G. GRCh37 (hg19) VCF-style: chr6-158613175-C-G.
Other names: short protein forms L68V.
Identifiers: ClinVar variation 2113587 (VCV002113587.4), dbSNP rs2483696820, ClinGen allele CA366253680.

ClinVar aggregate classification (germline): Uncertain significance (1 of 4 stars; one submission).

Submission:

Labcorp Genetics (formerly Invitae), Labcorp
Classification: Uncertain significance. Last evaluated: 2022-07-07. Review status: criteria provided, single submitter. Criteria: Invitae Variant Classification Sherloc (09022015). Collection method: clinical testing. Allele origin: germline.
Comment: This variant has not been reported in the literature in individuals affected with GTF2H5-related conditions. This variant is not present in population databases (gnomAD no frequency). This sequence change replaces leucine, which is neutral and non-polar, with valine, which is neutral and non-polar, at codon 68 of the GTF2H5 protein (p.Leu68Val). Algorithms developed to predict the effect of missense changes on protein structure and function (SIFT, PolyPhen-2, Align-GVGD) all suggest that this variant is likely to be tolerated. In summary, the available evidence is currently insufficient to determine the role of this variant in disease. Therefore, it has been classified as a Variant of Uncertain Significance.